The following is an entry in ClinVar:

ClinVar aggregate classification (germline): Uncertain significance (1 of 4 stars; one submission).

Allele frequency attached by ClinVar (database versions not stated): gnomAD exomes 0.00001; ExAC 0.00004.
gnomAD v4.1: 10 of 1,603,794 alleles (0.00062%); highest among the groups gnomAD compares: Admixed American, 0.005%; no homozygotes.

Submission:

Labcorp Genetics (formerly Invitae), Labcorp
Classification: Uncertain significance. Last evaluated: 2024-10-22. Review status: criteria provided, single submitter. Criteria: Invitae Variant Classification Sherloc (09022015). Collection method: clinical testing. Allele origin: germline.
Comment: This sequence change replaces lysine, which is basic and polar, with glutamine, which is neutral and polar, at codon 276 of the C5 protein (p.Lys276Gln). This variant is present in population databases (rs771775712, gnomAD 0.009%). This variant has not been reported in the literature in individuals affected with C5-related conditions. ClinVar contains an entry for this variant (Variation ID: 1930358). An algorithm developed to predict the effect of missense changes on protein structure and function outputs the following: PolyPhen-2: "Benign". The glutamine amino acid residue is found in multiple mammalian species, which suggests that this missense change does not adversely affect protein function. In summary, the available evidence is currently insufficient to determine the role of this variant in disease. Therefore, it has been classified as a Variant of Uncertain Significance.

NM_001735.3(C5):c.826A>C (p.Lys276Gln)

Gene: C5 (complement C5; minus strand). Cytogenetic location: 9q33.2.
Variant type: single nucleotide variant.
Coding change: c.826A>C on transcript NM_001735.3 (MANE Select); coding-DNA position 826, A replaced by C.
Protein change: p.Lys276Gln; replaces lysine 276 with glutamine.
Molecular consequence: missense variant.
Genome position (GRCh38, 1-based): chr9:121,027,207, T>G on the plus strand (A>C on the coding strand, the complement: C5 is on the minus strand). VCF-style: chr9-121027207-T-G. GRCh37 (hg19) VCF-style: chr9-123789485-T-G.
Other names: c.844A>C, p.Lys282Gln (NM_001317163.2); c.826A>C, p.Lys276Gln (NM_001317164.2); short protein forms K276Q, K282Q.
Identifiers: ClinVar variation 1930358 (VCV001930358.3), dbSNP rs771775712, ClinGen allele CA5218266.